The following is an entry in ClinVar:

ClinVar aggregate classification (germline): Uncertain significance (1 of 4 stars; one submission).

Conditions:
Developmental and epileptic encephalopathy, 31A. Also called: Epileptic encephalopathy, early infantile, 31; Developmental and epileptic encephalopathy, 31. Identifiers: Orphanet 2382, MedGen C4225357, MONDO:0014598, OMIM 616346.

Allele frequency attached by ClinVar (database versions not stated): TOPMed below 0.00001; gnomAD 0.00001.
gnomAD v4.1: 2 of 1,614,038 alleles (0.00012%); highest among the groups gnomAD compares: African/African-American, 0.0027%; no homozygotes.

Submission:

Labcorp Genetics (formerly Invitae), Labcorp
Classification: Uncertain significance for Developmental and epileptic encephalopathy, 31A. Last evaluated: 2024-01-25. Review status: criteria provided, single submitter. Criteria: Invitae Variant Classification Sherloc (09022015). Collection method: clinical testing. Allele origin: germline.
Comment: This sequence change replaces arginine, which is basic and polar, with tryptophan, which is neutral and slightly polar, at codon 724 of the DNM1 protein (p.Arg724Trp). This variant is present in population databases (no rsID available, gnomAD 0.004%). This missense change has been observed in individual(s) with epilepsy (PMID: 31069529). Advanced modeling of protein sequence and biophysical properties (such as structural, functional, and spatial information, amino acid conservation, physicochemical variation, residue mobility, and thermodynamic stability) performed at Invitae indicates that this missense variant is expected to disrupt DNM1 protein function with a positive predictive value of 95%. In summary, the available evidence is currently insufficient to determine the role of this variant in disease. Therefore, it has been classified as a Variant of Uncertain Significance.

Literature cited by the submitters: PubMed 31069529.

NM_004408.4(DNM1):c.2170C>T (p.Arg724Trp)

Gene: DNM1 (dynamin 1; plus strand). Cytogenetic location: 9q34.11.
Variant type: single nucleotide variant.
Coding change: c.2170C>T on transcript NM_004408.4 (MANE Select); coding-DNA position 2170, C replaced by T.
Protein change: p.Arg724Trp; replaces arginine 724 with tryptophan.
Molecular consequence: missense variant.
Genome position (GRCh38, 1-based): chr9:128,250,208, C>T. VCF-style: chr9-128250208-C-T. GRCh37 (hg19) VCF-style: chr9-131012487-C-T.
Other names: c.2170C>T, p.Arg724Trp (NM_001005336.3, NM_001288737.2, NM_001288738.2 and 2 more transcripts); short protein forms R724W.
Identifiers: ClinVar variation 2798351 (VCV002798351.3), dbSNP rs1386035686, ClinGen allele CA375000840.